The following is an entry in ClinVar:

NM_001126108.2(SLC12A3):c.2368+2del

Gene: SLC12A3 (solute carrier family 12 member 3; plus strand). Cytogenetic location: 16q13.
Variant type: Deletion.
Coding change: c.2368+2del on transcript NM_001126108.2 (MANE Select); the canonical splice donor site of the intron after coding-DNA position 2368, one base deleted (T; older notation c.2368+2delT).
Molecular consequence: splice donor variant.
Genome position (GRCh38, 1-based): chr16:56,890,358, T deleted. VCF-style (leftmost placement, unchanged base first): chr16-56890357-GT-G. GRCh37 (hg19) VCF-style: chr16-56924269-GT-G.
Other names: c.2368+2del (NM_000339.3); c.2365+2del (NM_001126107.2, NM_001410896.1).
Identifiers: ClinVar variation 2009227 (VCV002009227.6), dbSNP rs2543531562, ClinGen allele CA2580091690.

ClinVar aggregate classification (germline): Pathogenic/Likely pathogenic. Review status: criteria provided, multiple submitters, no conflicts (2 of 4 stars). 3 submissions from 3 submitters: Pathogenic (1); Likely pathogenic (2). Last evaluated 2025-08-29.

Conditions:
Familial hypokalemia-hypomagnesemia (GTLMNS). Also called: gitelman syndrome; HYPOMAGNESEMIA-HYPOKALEMIA, PRIMARY RENOTUBULAR, WITH HYPOCALCIURIA; POTASSIUM AND MAGNESIUM DEPLETION. Identifiers: Orphanet 358, MedGen C0268450, MONDO:0009904, OMIM 263800.

Submissions (3):

Human Genetics Bochum, Ruhr University Bochum
Classification: Pathogenic for Familial hypokalemia-hypomagnesemia. Last evaluated: 2025-08-29. Review status: criteria provided, single submitter. Criteria: ACMG Guidelines, 2015. Collection method: clinical testing. Allele origin: germline. Affected: yes.
Comment: in homozygous state; ACMG criteria used to clasify this variant: PVS1, PM3, PM2_SUP

Revvity Omics, Revvity
Classification: Likely pathogenic for Familial hypokalemia-hypomagnesemia. Last evaluated: 2024-08-02. Review status: criteria provided, single submitter. Criteria: ACMG Guidelines, 2015. Collection method: clinical testing. Allele origin: germline.

Labcorp Genetics (formerly Invitae), Labcorp
Classification: Likely pathogenic. Last evaluated: 2022-06-22. Review status: criteria provided, single submitter. Criteria: Invitae Variant Classification Sherloc (09022015). Collection method: clinical testing. Allele origin: germline.
Comment: In summary, the currently available evidence indicates that the variant is pathogenic, but additional data are needed to prove that conclusively. Therefore, this variant has been classified as Likely Pathogenic. This variant has not been reported in the literature in individuals affected with SLC12A3-related conditions. Algorithms developed to predict the effect of sequence changes on RNA splicing suggest that this variant may disrupt the consensus splice site. This variant is not present in population databases (gnomAD no frequency). This sequence change affects a splice site in intron 19 of the SLC12A3 gene. It is expected to disrupt RNA splicing. Variants that disrupt the donor or acceptor splice site typically lead to a loss of protein function (PMID: 16199547), and loss-of-function variants in SLC12A3 are known to be pathogenic (PMID: 20848653, 22009145, 25841442).

Literature cited by the submitters: PubMed 16199547 (cited by Labcorp Genetics (formerly Invitae), Labcorp); PubMed 20848653 (cited by Labcorp Genetics (formerly Invitae), Labcorp); PubMed 22009145 (cited by Labcorp Genetics (formerly Invitae), Labcorp); PubMed 25841442 (cited by Labcorp Genetics (formerly Invitae), Labcorp).